The following is an entry in ClinVar:

ClinVar aggregate classification (germline): Uncertain significance (1 of 4 stars; one submission).

Conditions:
Inborn genetic diseases. Identifiers: MedGen C0950123, MeSH D030342.

gnomAD v4.1: 5 of 1,578,374 alleles (0.00032%); highest among the groups gnomAD compares: African/African-American, 0.0041%; no homozygotes.

Submission:

Ambry Genetics
Classification: Uncertain significance for Inborn genetic diseases. Last evaluated: 2025-01-23. Review status: criteria provided, single submitter. Criteria: Ambry Variant Classification Scheme 2023. Collection method: clinical testing. Allele origin: germline.
Comment: The p.H1506R variant (also known as c.4517A>G), located in coding exon 18 of the FANCM gene, results from an A to G substitution at nucleotide position 4517. The histidine at codon 1506 is replaced by arginine, an amino acid with highly similar properties. This amino acid position is conserved. In addition, this alteration is predicted to be tolerated by in silico analysis. Based on the available evidence, the clinical significance of this variant remains unclear.

NM_020937.4(FANCM):c.4517A>G (p.His1506Arg)

Gene: FANCM (FA complementation group M; plus strand). Cytogenetic location: 14q21.2.
Variant type: single nucleotide variant.
Coding change: c.4517A>G on transcript NM_020937.4 (MANE Select); coding-DNA position 4517, A replaced by G.
Protein change: p.His1506Arg; replaces histidine 1506 with arginine.
Molecular consequence: missense variant.
Genome position (GRCh38, 1-based): chr14:45,185,218, A>G. VCF-style: chr14-45185218-A-G. GRCh37 (hg19) VCF-style: chr14-45654421-A-G.
Other names: c.4439A>G, p.His1480Arg (NM_001308133.2); short protein forms H1506R, H1480R.
Identifiers: ClinVar variation 3848653 (VCV003848653.1).
Genomic context (GRCh38, chr14:45,185,218, plus strand): 5'-CATGAAAGAAAATTATTTTCTCACTGATATCTTCATGTTTTCTAATTTGTCTTACTTAGC[A>G]TGTAGCTAGGAAGTTTTTAGATGATGAAGCAGAACTTTCTGAAGAAGATGCAGAATATGT-3'
Protein context (NP_065988.1, residues 1496-1516): KVPKRQSHLK[His1506Arg]VARKFLDDEA